The following is an entry in ClinVar:

ClinVar aggregate classification (germline): Uncertain significance (1 of 4 stars; one submission).

Submission:

Labcorp Genetics (formerly Invitae), Labcorp
Classification: Uncertain significance. Last evaluated: 2024-05-12. Review status: criteria provided, single submitter. Criteria: Invitae Variant Classification Sherloc (09022015). Collection method: clinical testing. Allele origin: germline.
Comment: This sequence change replaces serine, which is neutral and polar, with phenylalanine, which is neutral and non-polar, at codon 258 of the PROM1 protein (p.Ser258Phe). This variant is not present in population databases (gnomAD no frequency). This variant has not been reported in the literature in individuals affected with PROM1-related conditions. Advanced modeling of protein sequence and biophysical properties (such as structural, functional, and spatial information, amino acid conservation, physicochemical variation, residue mobility, and thermodynamic stability) performed at Invitae indicates that this missense variant is not expected to disrupt PROM1 protein function with a negative predictive value of 80%. In summary, the available evidence is currently insufficient to determine the role of this variant in disease. Therefore, it has been classified as a Variant of Uncertain Significance.

NM_006017.3(PROM1):c.773C>T (p.Ser258Phe)

Gene: PROM1 (prominin 1; minus strand). Cytogenetic location: 4p15.32.
Variant type: single nucleotide variant.
Coding change: c.773C>T on transcript NM_006017.3 (MANE Select); coding-DNA position 773, C replaced by T.
Protein change: p.Ser258Phe; replaces serine 258 with phenylalanine.
Molecular consequence: missense variant.
Genome position (GRCh38, 1-based): chr4:16,023,337, G>A on the plus strand (C>T on the coding strand, the complement: PROM1 is on the minus strand). VCF-style: chr4-16023337-G-A. GRCh37 (hg19) VCF-style: chr4-16024960-G-A.
Other names: c.746C>T, p.Ser249Phe (NM_001145847.2, NM_001145848.2, NM_001145851.2 and 4 more transcripts); c.773C>T, p.Ser258Phe (NM_001145849.2, NM_001145850.2); short protein forms S249F, S258F.
Identifiers: ClinVar variation 3639093 (VCV003639093.2).